The following is an entry in ClinVar:

NM_173651.4(FSIP2):c.13436A>G (p.Lys4479Arg)

Gene: FSIP2 (fibrous sheath interacting protein 2; plus strand). Cytogenetic location: 2q32.1.
Variant type: single nucleotide variant.
Coding change: c.13436A>G on transcript NM_173651.4 (MANE Select); coding-DNA position 13436, A replaced by G.
Protein change: p.Lys4479Arg; replaces lysine 4479 with arginine.
Molecular consequence: missense variant.
Genome position (GRCh38, 1-based): chr2:185,802,742, A>G. VCF-style: chr2-185802742-A-G. GRCh37 (hg19) VCF-style: chr2-186667469-A-G.
Other names: c.13703A>G (NM_173651.2); short protein forms K4479R.
Identifiers: ClinVar variation 2651750 (VCV002651750.25), dbSNP rs996638473, ClinGen allele CA61753811.

ClinVar aggregate classification (germline): Conflicting classifications of pathogenicity. Review status: criteria provided, conflicting classifications (1 of 4 stars). 2 submissions from 2 submitters: Uncertain significance (1); Likely benign (1). Last evaluated 2024-08-11.

Allele frequency attached by ClinVar (database versions not stated): gnomAD 0.00001; TOPMed 0.00001.
gnomAD v4.1: 15 of 1,512,368 alleles (0.00099%); highest among the groups gnomAD compares: Middle Eastern, 0.017%; no homozygotes.

Submissions (2):

Ambry Genetics
Classification: Likely benign. Last evaluated: 2024-08-11. Review status: criteria provided, single submitter. Criteria: Ambry Variant Classification Scheme 2023. Collection method: clinical testing. Allele origin: germline.

CeGaT Center for Human Genetics Tuebingen
Classification: Uncertain significance. Last evaluated: 2023-08-01. Review status: criteria provided, single submitter. Criteria: CeGaT Center For Human Genetics Tuebingen Variant Classification Criteria Version 2. Collection method: clinical testing. Allele origin: germline. Affected: yes. Observed: 1 variant allele.
Comment: FSIP2: PM2, BP4